The following is an entry in ClinVar:

ClinVar aggregate classification (germline): Uncertain significance (1 of 4 stars; one submission).

Conditions:
Charcot-Marie-Tooth disease axonal type 2O. Also called: CHARCOT-MARIE-TOOTH NEUROPATHY, AXONAL, TYPE 2O; CHARCOT-MARIE-TOOTH DISEASE, AXONAL, AUTOSOMAL DOMINANT, TYPE 2O; Charcot-Marie-Tooth Neuropathy Type 2O; Charcot-Marie-Tooth disease, axonal, type 20. Identifiers: Orphanet 284232, MedGen C3280220, MONDO:0013644, OMIM 614228.

Submission:

Labcorp Genetics (formerly Invitae), Labcorp
Classification: Uncertain significance for Charcot-Marie-Tooth disease axonal type 2O. Last evaluated: 2023-05-30. Review status: criteria provided, single submitter. Criteria: Invitae Variant Classification Sherloc (09022015). Collection method: clinical testing. Allele origin: germline.
Comment: In summary, the available evidence is currently insufficient to determine the role of this variant in disease. Therefore, it has been classified as a Variant of Uncertain Significance. Advanced modeling of protein sequence and biophysical properties (such as structural, functional, and spatial information, amino acid conservation, physicochemical variation, residue mobility, and thermodynamic stability) performed at Invitae indicates that this missense variant is not expected to disrupt DYNC1H1 protein function. This variant has not been reported in the literature in individuals affected with DYNC1H1-related conditions. This variant is not present in population databases (gnomAD no frequency). This sequence change replaces methionine, which is neutral and non-polar, with leucine, which is neutral and non-polar, at codon 1134 of the DYNC1H1 protein (p.Met1134Leu).

NM_001376.5(DYNC1H1):c.3400A>T (p.Met1134Leu)

Gene: DYNC1H1 (dynein cytoplasmic 1 heavy chain 1; plus strand). Cytogenetic location: 14q32.31.
Variant type: single nucleotide variant.
Coding change: c.3400A>T on transcript NM_001376.5 (MANE Select); coding-DNA position 3400, A replaced by T.
Protein change: p.Met1134Leu; replaces methionine 1134 with leucine.
Molecular consequence: missense variant.
Genome position (GRCh38, 1-based): chr14:101,995,052, A>T. VCF-style: chr14-101995052-A-T. GRCh37 (hg19) VCF-style: chr14-102461389-A-T.
Other names: short protein forms M1134L.
Identifiers: ClinVar variation 2749451 (VCV002749451.3), dbSNP rs2503715427, ClinGen allele CA391033932.